The following is an entry in ClinVar:

NM_000218.3(KCNQ1):c.1394-9684G>A

Genes: KCNQ1 (potassium voltage-gated channel subfamily Q member 1; plus strand), KCNQ1OT1 (KCNQ1 opposite strand/antisense transcript 1; minus strand). Cytogenetic location: 11p15.5.
Variant type: single nucleotide variant.
Coding change: c.1394-9684G>A on transcript NM_000218.3 (MANE Select); 9684 bases into the intron before coding-DNA position 1394, G replaced by A.
Molecular consequence: intron variant. On other transcripts: non-coding transcript variant (1).
Genome position (GRCh38, 1-based): chr11:2,652,277, G>A. VCF-style: chr11-2652277-G-A. GRCh37 (hg19) VCF-style: chr11-2673507-G-A.
Other names: c.1124-9684G>A (NM_001406837.1); c.1298-9684G>A (NM_001406836.1); c.854-9684G>A (NM_001406838.1); c.1013-9684G>A (NM_181798.2).
Identifiers: ClinVar variation 3771741 (VCV003771741.13).

ClinVar aggregate classification (germline): Likely benign (1 of 4 stars; one submission).

gnomAD v4.1: 207 of 398,606 alleles (0.052%); highest among the groups gnomAD compares: African/African-American, 0.36%; no homozygotes.

Submission:

CeGaT Center for Human Genetics Tuebingen
Classification: Likely benign. Last evaluated: 2026-06-01. Review status: criteria provided, single submitter. Criteria: CeGaT Center For Human Genetics Tuebingen Variant Classification Criteria Version 2. Collection method: clinical testing. Allele origin: germline. Affected: yes. Observed: 3 variant alleles.
Comment: KCNQ1OT1: BS1